The following is an entry in ClinVar:

NM_000214.3(JAG1):c.638A>T (p.Asp213Val)

Gene: JAG1 (jagged canonical Notch ligand 1; minus strand). Cytogenetic location: 20p12.2.
Variant type: single nucleotide variant.
Coding change: c.638A>T on transcript NM_000214.3 (MANE Select); coding-DNA position 638, A replaced by T.
Protein change: p.Asp213Val; replaces aspartic acid 213 with valine.
Molecular consequence: missense variant.
Genome position (GRCh38, 1-based): chr20:10,658,524, T>A on the plus strand (A>T on the coding strand, the complement: JAG1 is on the minus strand). VCF-style: chr20-10658524-T-A. GRCh37 (hg19) VCF-style: chr20-10639172-T-A.
Other names: short protein forms D213V.
Identifiers: ClinVar variation 3573347 (VCV003573347.2).

Conditions:
Arteriohepatic dysplasia. Also called: Alagille Syndrome. Identifiers: Orphanet 52, MedGen C0085280, MeSH D016738, MONDO:0007318.

Submission:

Gilbert/Spinner Lab, Children's Hospital of Philadelphia
No classification provided (evidence only). Condition: Alagille syndrome. Review status: no classification provided. Collection method: research. Allele origin: not applicable. Functional consequence: functionally_abnormal.
ClinVar note: "not provided" was previously submitted as the classification for the variant. However, the classification appeared to be based only on an observation of functional data so it was converted to no classification on 2025-07-30.